The following is an entry in ClinVar:

NM_002633.3(PGM1):c.838G>C (p.Glu280Gln)

Gene: PGM1 (phosphoglucomutase 1; plus strand). Cytogenetic location: 1p31.3.
Variant type: single nucleotide variant.
Coding change: c.838G>C on transcript NM_002633.3 (MANE Select); coding-DNA position 838, G replaced by C.
Protein change: p.Glu280Gln; replaces glutamic acid 280 with glutamine.
Molecular consequence: missense variant.
Genome position (GRCh38, 1-based): chr1:63,634,984, G>C. VCF-style: chr1-63634984-G-C. GRCh37 (hg19) VCF-style: chr1-64100655-G-C.
Other names: c.892G>C, p.Glu298Gln (NM_001172818.1); c.247G>C, p.Glu83Gln (NM_001172819.2); short protein forms E280Q, E83Q, E298Q.
Identifiers: ClinVar variation 1981638 (VCV001981638.1), dbSNP rs762323296, ClinGen allele CA889637.

ClinVar aggregate classification (germline): Uncertain significance (1 of 4 stars; one submission).

Conditions:
PGM1-congenital disorder of glycosylation. Also called: PGM1 DEFICIENCY; GLYCOGEN STORAGE DISEASE XIV; GSD XIV; Congenital disorder of glycosylation type 1t; PHOSPHOGLUCOMUTASE 1 DEFICIENCY; CDG It. Identifiers: Orphanet 319646, MedGen C2752015, MONDO:0013968, OMIM 614921.

Allele frequency attached by ClinVar (database versions not stated): gnomAD 0.00001; ExAC 0.00002; gnomAD exomes 0.00002; TOPMed 0.00003.
gnomAD v4.1: 11 of 1,613,924 alleles (0.00068%); highest among the groups gnomAD compares: Admixed American, 0.018%; no homozygotes.

Submission:

Labcorp Genetics (formerly Invitae), Labcorp
Classification: Uncertain significance for PGM1-congenital disorder of glycosylation. Last evaluated: 2022-08-20. Review status: criteria provided, single submitter. Criteria: Invitae Variant Classification Sherloc (09022015). Collection method: clinical testing. Allele origin: germline.
Comment: This sequence change replaces glutamic acid, which is acidic and polar, with glutamine, which is neutral and polar, at codon 280 of the PGM1 protein (p.Glu280Gln). This variant is present in population databases (rs762323296, gnomAD 0.02%). This variant has not been reported in the literature in individuals affected with PGM1-related conditions. Algorithms developed to predict the effect of missense changes on protein structure and function are either unavailable or do not agree on the potential impact of this missense change (SIFT: "Deleterious"; PolyPhen-2: "Benign"; Align-GVGD: "Class C0"). In summary, the available evidence is currently insufficient to determine the role of this variant in disease. Therefore, it has been classified as a Variant of Uncertain Significance.